The following is an entry in ClinVar:

NM_001374828.1(ARID1B):c.4508A>C (p.Tyr1503Ser)

Gene: ARID1B (AT-rich interaction domain 1B; plus strand). Cytogenetic location: 6q25.3.
Variant type: single nucleotide variant.
Coding change: c.4508A>C on transcript NM_001374828.1 (MANE Select); coding-DNA position 4508, A replaced by C.
Protein change: p.Tyr1503Ser; replaces tyrosine 1503 with serine.
Molecular consequence: missense variant.
Genome position (GRCh38, 1-based): chr6:157,200,733, A>C. VCF-style: chr6-157200733-A-C. GRCh37 (hg19) VCF-style: chr6-157521867-A-C.
Other names: c.2009A>C, p.Tyr670Ser (NM_001363725.2); c.4388A>C, p.Tyr1463Ser (NM_001371656.1, NM_001374820.1); c.4637A>C, p.Tyr1546Ser (NM_001438482.1); c.4550A>C, p.Tyr1517Ser (NM_001438483.1); c.4418A>C, p.Tyr1473Ser (NM_001438485.1); c.4391A>C, p.Tyr1464Ser (NM_001438486.1); c.4328A>C, p.Tyr1443Ser (NM_001438487.1); c.1850A>C, p.Tyr617Ser (NM_001438488.1); and 1 more; short protein forms Y1443S, Y1450S, Y1463S, Y1464S, Y1473S, Y1503S, Y1517S, Y1546S.
Identifiers: ClinVar variation 4881215 (VCV004881215.2).

ClinVar aggregate classification (germline): Uncertain significance (1 of 4 stars; one submission).

Submission:

Dasa
Classification: Uncertain significance. Last evaluated: 2025-05-12. Review status: criteria provided, single submitter. Criteria: DASA Assertion Criteria. Collection method: clinical testing. Allele origin: germline.
Comment: NM_001374828.1(ARID1B):c.4508A>C (p.Tyr1503Ser) is a missense variant that results in the substitution of tyrosine with serine. This variant is absent from population databases. The currently available literature and clinical evidence are not sufficient to establish a definitive association between this variant and the reported condition. Therefore, this variant is classified as a variant of uncertain significance.